The following is an entry in ClinVar:

ClinVar aggregate classification (germline): Conflicting classifications of pathogenicity. Review status: criteria provided, conflicting classifications (1 of 4 stars). 6 submissions from 6 submitters: Uncertain significance (1); Benign (2); Likely benign (1). 2 of the submissions do not count toward it. Last evaluated 2025-07-27.

Conditions:
TNFRSF1A-related disorder. Also called: TNFRSF1A-related condition.
TNF receptor-associated periodic fever syndrome (TRAPS) (FPF). Also called: TNF RECEPTOR-ASSOCIATED PERIODIC SYNDROME; TUMOR NECROSIS FACTOR RECEPTOR-ASSOCIATED PERIODIC SYNDROME; TNF receptor 1-associated periodic fever syndrome; FAMILIAL HIBERNIAN FEVER; Autosomal Dominant Familial Periodic Fever; TNF Receptor-Associated Periodic Fever Syndrome. Identifiers: Orphanet 32960, MedGen C1275126, MONDO:0007727, OMIM 142680.

Allele frequency attached by ClinVar (database versions not stated): gnomAD exomes 0.00006 and 0.00012; ExAC 0.00016; gnomAD 0.00020 and 0.00021; TOPMed 0.00029; 1000 Genomes Project 30x 0.00031; ESP Exome Variant Server 0.00038; 1000 Genomes Project 0.00040.
gnomAD v4.1: 113 of 1,613,890 alleles (0.007%); highest among the groups gnomAD compares: East Asian, 0.12%; no homozygotes.

Submissions (6):

Labcorp Genetics (formerly Invitae), Labcorp
Classification: Benign for TNF receptor-associated periodic fever syndrome (TRAPS). Last evaluated: 2025-07-27. Review status: criteria provided, single submitter. Criteria: Invitae Variant Classification Sherloc (09022015). Collection method: clinical testing. Allele origin: germline.

Blueprint Genetics
Classification: Likely benign. Last evaluated: 2024-05-15. Review status: criteria provided, single submitter. Criteria: ACMG Guidelines, 2015. Collection method: clinical testing. Allele origin: germline.

Illumina Laboratory Services, Illumina
Classification: Uncertain significance for TNF receptor-associated periodic fever syndrome (TRAPS). Last evaluated: 2018-01-13. Review status: criteria provided, single submitter. Criteria: ICSL Variant Classification Criteria 13 December 2019. Collection method: clinical testing. Allele origin: germline.

GeneDx
Classification: Benign. Last evaluated: 2014-04-15. Review status: criteria provided, single submitter. Criteria: GeneDx Variant Classification (06012015). Collection method: clinical testing. Allele origin: germline. Affected: yes.
Comment: This variant is considered likely benign or benign based on one or more of the following criteria: it is a conservative change, it occurs at a poorly conserved position in the protein, it is predicted to be benign by multiple in silico algorithms, and/or has population frequency not consistent with disease.

PreventionGenetics, part of Exact Sciences
Classification: Likely benign for TNFRSF1A-related condition. Last evaluated: 2022-08-26. Review status: no assertion criteria provided. Collection method: clinical testing. Allele origin: germline. Not counted in ClinVar's aggregate classification.
Comment: This variant is classified as likely benign based on ACMG/AMP sequence variant interpretation guidelines (Richards et al. 2015 PMID: 25741868, with internal and published modifications).

Molecular Genetics Laboratory, BC Children's and BC Women's Hospitals
Classification: Likely benign for TNF receptor-associated periodic fever syndrome (TRAPS). Last evaluated: 2021-05-07. Review status: no assertion criteria provided. Criteria: ACMG Guidelines, 2015. Collection method: clinical testing. Allele origin: germline. Affected: yes. Not counted in ClinVar's aggregate classification.

NM_001065.4(TNFRSF1A):c.645C>T (p.Pro215=)

Gene: TNFRSF1A (TNF receptor superfamily member 1A; minus strand). Cytogenetic location: 12p13.31.
Variant type: single nucleotide variant.
Coding change: c.645C>T on transcript NM_001065.4 (MANE Select); coding-DNA position 645, C replaced by T.
Protein change: p.Pro215=; no amino-acid change (proline 215 retained).
Molecular consequence: synonymous variant. On other transcripts: non-coding transcript variant (1).
Genome position (GRCh38, 1-based): chr12:6,330,692, G>A on the plus strand (C>T on the coding strand, the complement: TNFRSF1A is on the minus strand). VCF-style: chr12-6330692-G-A. GRCh37 (hg19) VCF-style: chr12-6439858-G-A.
Other names: p.P215P:CCC>CCT; c.321C>T, p.Pro107= (NM_001346091.2); c.186C>T, p.Pro62= (NM_001346092.2).
Identifiers: ClinVar variation 137680 (VCV000137680.20), dbSNP rs147075345, ClinGen allele CA291335.